The following is an entry in ClinVar:

ClinVar aggregate classification (germline): Likely benign (0 of 4 stars; one submission).

Conditions:
TRH-related disorder. Also called: TRH-related condition.

Allele frequency attached by ClinVar (database versions not stated): ExAC 0.00016.
gnomAD v4.1: 75 of 1,613,504 alleles (0.0046%); highest among the groups gnomAD compares: Admixed American, 0.12%; 1 homozygote.

Submission:

PreventionGenetics, part of Exact Sciences
Classification: Likely benign for TRH-related condition. Last evaluated: 2019-04-24. Review status: no assertion criteria provided. Collection method: clinical testing. Allele origin: germline.
Comment: This variant is classified as likely benign based on ACMG/AMP sequence variant interpretation guidelines (Richards et al. 2015 PMID: 25741868, with internal and published modifications).

NM_007117.5(TRH):c.105G>A (p.Thr35=)

Gene: TRH (thyrotropin releasing hormone; plus strand). Cytogenetic location: 3q22.1.
Variant type: single nucleotide variant.
Coding change: c.105G>A on transcript NM_007117.5 (MANE Select); coding-DNA position 105, G replaced by A.
Protein change: p.Thr35=; no amino-acid change (threonine 35 retained).
Molecular consequence: synonymous variant.
Genome position (GRCh38, 1-based): chr3:129,975,921, G>A. VCF-style: chr3-129975921-G-A. GRCh37 (hg19) VCF-style: chr3-129694764-G-A.
Identifiers: ClinVar variation 3050924 (VCV003050924.2), dbSNP rs565156074, ClinGen allele CA2609932.